The following is an entry in ClinVar:

NM_005263.5(GFI1):c.345C>A (p.Phe115Leu)

Gene: GFI1 (growth factor independent 1 transcriptional repressor; minus strand). Cytogenetic location: 1p22.1.
Variant type: single nucleotide variant.
Coding change: c.345C>A on transcript NM_005263.5 (MANE Select); coding-DNA position 345, C replaced by A.
Protein change: p.Phe115Leu; replaces phenylalanine 115 with leucine.
Molecular consequence: missense variant.
Genome position (GRCh38, 1-based): chr1:92,481,042, G>T on the plus strand (C>A on the coding strand, the complement: GFI1 is on the minus strand). VCF-style: chr1-92481042-G-T. GRCh37 (hg19) VCF-style: chr1-92946599-G-T.
Other names: c.345C>A, p.Phe115Leu (NM_001127215.3, NM_001127216.3); short protein forms F115L.
Identifiers: ClinVar variation 3853737 (VCV003853737.1).
Genomic context (GRCh38, chr1:92,481,042, plus strand): 5'-CAGGTGCCGCAGGTCAGAACCCGCCAGGCCGCTCCATGAGTACGGTTTGAAAGGCAGGGG[G>T]AAGGGCTGGGCTTCGTCCAGCGATGGGCACATTGACTTCTCCGAGGCTGTGGAGGCACAA-3'
Protein context (NP_005254.2, residues 105-125): MCPSLDEAQP[Phe115Leu]PLPFKPYSWS

ClinVar aggregate classification (germline): Uncertain significance (1 of 4 stars; one submission).

Submission:

Ambry Genetics
Classification: Uncertain significance. Last evaluated: 2025-03-03. Review status: criteria provided, single submitter. Criteria: Ambry Variant Classification Scheme 2023. Collection method: clinical testing. Allele origin: germline.
Comment: The p.F115L variant (also known as c.345C>A), located in coding exon 3 of the GFI1 gene, results from a C to A substitution at nucleotide position 345. The phenylalanine at codon 115 is replaced by leucine, an amino acid with highly similar properties. This amino acid position is conserved. In addition, this alteration is predicted to be tolerated by in silico analysis. Based on the available evidence, the clinical significance of this variant remains unclear.